The following is an entry in ClinVar:

NM_052947.4(ALPK2):c.1175G>C (p.Gly392Ala)

Genes: ALPK2 (alpha kinase 2; minus strand), LOC114803473 (ALPK2 eExon liver enhancer; plus strand). Cytogenetic location: 18q21.31.
Variant type: single nucleotide variant.
Coding change: c.1175G>C on transcript NM_052947.4 (MANE Select); coding-DNA position 1175, G replaced by C.
Protein change: p.Gly392Ala; replaces glycine 392 with alanine.
Molecular consequence: missense variant.
Genome position (GRCh38, 1-based): chr18:58,579,601, C>G on the plus strand (G>C on the coding strand, the complement: ALPK2 is on the minus strand). VCF-style: chr18-58579601-C-G. GRCh37 (hg19) VCF-style: chr18-56246833-C-G.
Other names: short protein forms G392A.
Identifiers: ClinVar variation 1740559 (VCV001740559.3), dbSNP rs371505069, ClinGen allele CA8977304.

ClinVar aggregate classification (germline): Uncertain significance (1 of 4 stars; one submission).

Allele frequency attached by ClinVar (database versions not stated): ExAC 0.00002; ESP Exome Variant Server 0.00008.
gnomAD v4.1: 2 of 1,613,406 alleles (0.00012%); highest among the groups gnomAD compares: Non-Finnish European, 0.00017%; no homozygotes.

Submission:

Ambry Genetics
Classification: Uncertain significance. Last evaluated: 2024-09-24. Review status: criteria provided, single submitter. Criteria: Ambry Variant Classification Scheme 2023. Collection method: clinical testing. Allele origin: germline.
Comment: The p.G392A variant (also known as c.1175G>C), located in coding exon 3 of the ALPK2 gene, results from a G to C substitution at nucleotide position 1175. The glycine at codon 392 is replaced by alanine, an amino acid with similar properties. This amino acid position is conserved. In addition, this alteration is predicted to be tolerated by in silico analysis. Since supporting evidence is limited at this time, the clinical significance of this alteration remains unclear.